The following is an entry in ClinVar:

ClinVar aggregate classification (germline): Uncertain significance. Review status: criteria provided, multiple submitters, no conflicts (2 of 4 stars). 2 submissions from 2 submitters: Uncertain significance (2). Last evaluated 2025-03-17.

Allele frequency attached by ClinVar (database versions not stated): gnomAD exomes 0.00001 and 0.00003; gnomAD 0.00002 and 0.00003; ExAC 0.00004; TOPMed 0.00005.

Submissions (2):

Labcorp Genetics (formerly Invitae), Labcorp
Classification: Uncertain significance. Last evaluated: 2025-03-17. Review status: criteria provided, single submitter. Criteria: Invitae Variant Classification Sherloc (09022015). Collection method: clinical testing. Allele origin: germline.
Comment: This sequence change replaces asparagine, which is neutral and polar, with serine, which is neutral and polar, at codon 279 of the CYP4V2 protein (p.Asn279Ser). This variant is present in population databases (rs779071984, gnomAD 0.009%). This missense change has been observed in individual(s) with inherited retinal disease (PMID: 32483926). ClinVar contains an entry for this variant (Variation ID: 1520670). Invitae Evidence Modeling of protein sequence and biophysical properties (such as structural, functional, and spatial information, amino acid conservation, physicochemical variation, residue mobility, and thermodynamic stability) indicates that this missense variant is not expected to disrupt CYP4V2 protein function with a negative predictive value of 95%. In summary, the available evidence is currently insufficient to determine the role of this variant in disease. Therefore, it has been classified as a Variant of Uncertain Significance.

Blueprint Genetics
Classification: Uncertain significance. Last evaluated: 2024-09-10. Review status: criteria provided, single submitter. Criteria: ACMG Guidelines, 2015. Collection method: clinical testing. Allele origin: germline.

Literature cited by the submitters: PubMed 32483926 (cited by Labcorp Genetics (formerly Invitae), Labcorp).

NM_207352.4(CYP4V2):c.836A>G (p.Asn279Ser)

Gene: CYP4V2 (cytochrome P450 family 4 subfamily V member 2; plus strand). Cytogenetic location: 4q35.2.
Variant type: single nucleotide variant.
Coding change: c.836A>G on transcript NM_207352.4 (MANE Select); coding-DNA position 836, A replaced by G.
Protein change: p.Asn279Ser; replaces asparagine 279 with serine.
Molecular consequence: missense variant.
Genome position (GRCh38, 1-based): chr4:186,201,191, A>G. VCF-style: chr4-186201191-A-G. GRCh37 (hg19) VCF-style: chr4-187122345-A-G.
Other names: short protein forms N279S.
Identifiers: ClinVar variation 1520670 (VCV001520670.6), dbSNP rs779071984, ClinGen allele CA3162677.